The following is an entry in ClinVar:

NM_000551.4(VHL):c.298A>C (p.Thr100Pro)

Gene: VHL (von Hippel-Lindau tumor suppressor; plus strand). Cytogenetic location: 3p25.3.
Variant type: single nucleotide variant.
Coding change: c.298A>C on transcript NM_000551.4 (MANE Select); coding-DNA position 298, A replaced by C.
Protein change: p.Thr100Pro; replaces threonine 100 with proline.
Molecular consequence: missense variant.
Genome position (GRCh38, 1-based): chr3:10,142,145, A>C. VCF-style: chr3-10142145-A-C. GRCh37 (hg19) VCF-style: chr3-10183829-A-C.
Other names: c.298A>C, p.Thr100Pro (NM_001354723.2, NM_198156.3); short protein forms T100P.
Identifiers: ClinVar variation 1479170 (VCV001479170.8), dbSNP rs745901803, ClinGen allele CA351750966.

ClinVar aggregate classification (germline): Uncertain significance (1 of 4 stars; one submission).

Conditions:
Von Hippel-Lindau syndrome (VHLS). Also called: Von Hippel-Lindau; von Hippel–Lindau syndrome; VHL syndrome. Identifiers: Orphanet 892, MedGen C0019562, MONDO:0008667, OMIM 193300. Disease mechanism: loss of function.
Chuvash polycythemia. Also called: POLYCYTHEMIA, VHL-DEPENDENT. Identifiers: Orphanet 238557, MedGen C1837915, MONDO:0009892, OMIM 263400.

Submission:

Labcorp Genetics (formerly Invitae), Labcorp
Classification: Uncertain significance for Von Hippel-Lindau syndrome; Chuvash polycythemia. Last evaluated: 2022-03-27. Review status: criteria provided, single submitter. Criteria: Invitae Variant Classification Sherloc (09022015). Collection method: clinical testing. Allele origin: germline.
Comment: This sequence change replaces threonine, which is neutral and polar, with proline, which is neutral and non-polar, at codon 100 of the VHL protein (p.Thr100Pro). This variant is not present in population databases (gnomAD no frequency). This variant has not been reported in the literature in individuals affected with VHL-related conditions. Advanced modeling of protein sequence and biophysical properties (such as structural, functional, and spatial information, amino acid conservation, physicochemical variation, residue mobility, and thermodynamic stability) performed at Invitae indicates that this missense variant is expected to disrupt VHL protein function. In summary, the available evidence is currently insufficient to determine the role of this variant in disease. Therefore, it has been classified as a Variant of Uncertain Significance.